The following is an entry in ClinVar:

ClinVar aggregate classification (germline): Uncertain significance (1 of 4 stars; one submission).

Conditions:
Cataract 39 multiple types. Also called: Cataract 39, multiple types, autosomal dominant. Identifiers: Orphanet 91492, MedGen C3808800, MONDO:0014075, OMIM 615188.

Submission:

Labcorp Genetics (formerly Invitae), Labcorp
Classification: Uncertain significance for Cataract 39 multiple types. Last evaluated: 2025-11-17. Review status: criteria provided, single submitter. Criteria: Invitae Variant Classification Sherloc (09022015). Collection method: clinical testing. Allele origin: germline.
Comment: This sequence change creates a premature translational stop signal (p.Met70Ilefs*29) in the CRYGB gene. While this is not anticipated to result in nonsense mediated decay, it is expected to disrupt the last 106 amino acid(s) of the CRYGB protein. This variant is present in population databases (rs757390739, gnomAD 0.004%). This variant has not been reported in the literature in individuals affected with CRYGB-related conditions. Experimental studies and prediction algorithms are not available or were not evaluated, and the functional significance of this variant is currently unknown. In summary, the available evidence is currently insufficient to determine the role of this variant in disease. Therefore, it has been classified as a Variant of Uncertain Significance.

NM_005210.4(CRYGB):c.209dup (p.Met70fs)

Genes: CRYGB (crystallin gamma B; minus strand), LOC100507443 (uncharacterized LOC100507443; plus strand). Cytogenetic location: 2q33.3.
Variant type: Duplication.
Coding change: c.209dup on transcript NM_005210.4 (MANE Select); coding-DNA position 209, one base duplicated (T; older notation c.209dupT).
Protein change: p.Met70fs; shifts the reading frame from methionine 70.
Molecular consequence: frameshift variant.
Genome position (GRCh38, 1-based): chr2:208,145,817, A duplicated on the plus strand (T on the coding strand, the reverse complement: CRYGB is on the minus strand). VCF-style (leftmost placement, unchanged base first): chr2-208145816-C-CA. GRCh37 (hg19) VCF-style: chr2-209010540-C-CA.
Other names: short protein forms M70fs.
Identifiers: ClinVar variation 4754521 (VCV004754521.1).
Genomic context (GRCh38, chr2:208,145,816, plus strand): 5'-AGACAGAGCCACACTCACCGGGGGGATGAGGCAGCAGGAGCGGATGGAGTCGCTGAGGCC[C>CA]ATCCATTGCTGGTAGTCAGGGTACTCCCCACGCCGCAGGAAGTACTGGTGGCCCTGGTAG-3'